The following is an entry in ClinVar:

NM_015935.5(METTL13):c.1155C>A (p.Thr385=)

Gene: METTL13 (methyltransferase 13, eEF1A N-terminus and K55; plus strand). Cytogenetic location: 1q24.3.
Variant type: single nucleotide variant.
Coding change: c.1155C>A on transcript NM_015935.5 (MANE Select); coding-DNA position 1155, C replaced by A.
Protein change: p.Thr385=; no amino-acid change (threonine 385 retained).
Molecular consequence: synonymous variant.
Genome position (GRCh38, 1-based): chr1:171,787,776, C>A. VCF-style: chr1-171787776-C-A. GRCh37 (hg19) VCF-style: chr1-171756916-C-A.
Other names: c.687C>A, p.Thr229= (NM_001007239.2); c.897C>A, p.Thr299= (NM_014955.3).
Identifiers: ClinVar variation 3036111 (VCV003036111.2), dbSNP rs148254472, ClinGen allele CA1244803.
Genomic context (GRCh38, chr1:171,787,776, plus strand): 5'-TCTCTGGTTGTACCTTCAGGTCCCCTTTCTGTCTGTGGGTGGGGACATTGGGGTCCGGAC[C>A]GTTCAGCACCAAGACTGCAGCCCCTTGAGCGGTGACTATGTCATTGAGGATGTGCAAGGG-3'
Protein context (NP_057019.3, residues 375-395): LSVGGDIGVR[Thr385=]VQHQDCSPLS

ClinVar aggregate classification (germline): Likely benign (0 of 4 stars; one submission).

Conditions:
METTL13-related disorder. Also called: METTL13-related condition.

Allele frequency attached by ClinVar (database versions not stated): ESP Exome Variant Server 0.00015.
gnomAD v4.1: 384 of 1,613,988 alleles (0.024%); highest among the groups gnomAD compares: Non-Finnish European, 0.03%; no homozygotes.

Submission:

PreventionGenetics, part of Exact Sciences
Classification: Likely benign for METTL13-related condition. Last evaluated: 2020-05-26. Review status: no assertion criteria provided. Collection method: clinical testing. Allele origin: germline.
Comment: This variant is classified as likely benign based on ACMG/AMP sequence variant interpretation guidelines (Richards et al. 2015 PMID: 25741868, with internal and published modifications).